The following is an entry in ClinVar:

NM_000548.5(TSC2):c.4906G>C (p.Asp1636His)

Gene: TSC2 (TSC complex subunit 2; plus strand). Cytogenetic location: 16p13.3.
Variant type: single nucleotide variant.
Coding change: c.4906G>C on transcript NM_000548.5 (MANE Select); coding-DNA position 4906, G replaced by C.
Protein change: p.Asp1636His; replaces aspartic acid 1636 with histidine.
Molecular consequence: missense variant. On other transcripts: non-coding transcript variant (5).
Genome position (GRCh38, 1-based): chr16:2,086,788, G>C. VCF-style: chr16-2086788-G-C. GRCh37 (hg19) VCF-style: chr16-2136789-G-C.
Other names: c.4705G>C, p.Asp1569His (NM_001077183.3); c.4837G>C, p.Asp1613His (NM_001114382.3); c.4597G>C, p.Asp1533His (NM_001318827.2); c.4561G>C, p.Asp1521His (NM_001318829.2); c.4174G>C, p.Asp1392His (NM_001318831.2); c.4738G>C, p.Asp1580His (NM_001318832.2); c.4708G>C, p.Asp1570His (NM_001363528.2); c.4774G>C, p.Asp1592His (NM_001370404.1); and 26 more; short protein forms D1370H, D1520H, D1521H, D1550H, D1564H, D1565H, D1566H, D1580H.
Identifiers: ClinVar variation 2763806 (VCV002763806.3), dbSNP rs45482398, ClinGen allele CA394308474.

ClinVar aggregate classification (germline): Uncertain significance (1 of 4 stars; one submission).

Conditions:
Tuberous sclerosis 2 (TSC2). Identifiers: Orphanet 805, MedGen C1860707, MONDO:0013199, OMIM 613254.

gnomAD v4.1: 1 of 1,611,518 alleles (0.000062%); highest among the groups gnomAD compares: Non-Finnish European, 0.000085%; no homozygotes.

Submission:

Labcorp Genetics (formerly Invitae), Labcorp
Classification: Uncertain significance for Tuberous sclerosis 2. Last evaluated: 2024-11-05. Review status: criteria provided, single submitter. Criteria: Invitae Variant Classification Sherloc (09022015). Collection method: clinical testing. Allele origin: germline.
Comment: This sequence change replaces aspartic acid, which is acidic and polar, with histidine, which is basic and polar, at codon 1636 of the TSC2 protein (p.Asp1636His). This variant is not present in population databases (gnomAD no frequency). This variant has not been reported in the literature in individuals affected with TSC2-related conditions. ClinVar contains an entry for this variant (Variation ID: 2763806). Invitae Evidence Modeling of protein sequence and biophysical properties (such as structural, functional, and spatial information, amino acid conservation, physicochemical variation, residue mobility, and thermodynamic stability) indicates that this missense variant is not expected to disrupt TSC2 protein function with a negative predictive value of 95%. In summary, the available evidence is currently insufficient to determine the role of this variant in disease. Therefore, it has been classified as a Variant of Uncertain Significance.